The following is an entry in ClinVar:

ClinVar aggregate classification (germline): Uncertain significance (1 of 4 stars; one submission).

Conditions:
Dyskeratosis congenita. Identifiers: Orphanet 1775, MedGen C0265965, MONDO:0015780.

gnomAD v4.1: 3 of 1,614,166 alleles (0.00019%); highest among the groups gnomAD compares: Non-Finnish European, 0.00025%; no homozygotes.

Submission:

Ambry Genetics
Classification: Uncertain significance for Dyskeratosis congenita. Last evaluated: 2023-06-24. Review status: criteria provided, single submitter. Criteria: Ambry Variant Classification Scheme 2023. Collection method: clinical testing. Allele origin: germline.
Comment: The p.M549I variant (also known as c.1647G>C), located in coding exon 3 of the TERT gene, results from a G to C substitution at nucleotide position 1647. The methionine at codon 549 is replaced by isoleucine, an amino acid with highly similar properties. This amino acid position is conserved. In addition, the in silico prediction for this alteration is inconclusive. Since supporting evidence is limited at this time, the clinical significance of this alteration remains unclear.

NM_198253.3(TERT):c.1647G>C (p.Met549Ile)

Gene: TERT (telomerase reverse transcriptase; minus strand). Cytogenetic location: 5p15.33.
Variant type: single nucleotide variant.
Coding change: c.1647G>C on transcript NM_198253.3 (MANE Select); coding-DNA position 1647, G replaced by C.
Protein change: p.Met549Ile; replaces methionine 549 with isoleucine.
Molecular consequence: missense variant. On other transcripts: non-coding transcript variant (2).
Genome position (GRCh38, 1-based): chr5:1,282,551, C>G on the plus strand (G>C on the coding strand, the complement: TERT is on the minus strand). VCF-style: chr5-1282551-C-G. GRCh37 (hg19) VCF-style: chr5-1282666-C-G.
Other names: c.1647G>C, p.Met549Ile (NM_001193376.3, NM_003219.1); short protein forms M549I.
Identifiers: ClinVar variation 3238522 (VCV003238522.1), dbSNP rs1554041316.